The following is an entry in ClinVar:

NM_001130438.3(SPTAN1):c.237+10A>G

Gene: SPTAN1 (spectrin alpha, non-erythrocytic 1; plus strand). Cytogenetic location: 9q34.11.
Variant type: single nucleotide variant.
Coding change: c.237+10A>G on transcript NM_001130438.3 (MANE Select); 10 bases into the intron after coding-DNA position 237, A replaced by G.
Molecular consequence: intron variant.
Genome position (GRCh38, 1-based): chr9:128,566,987, A>G. VCF-style: chr9-128566987-A-G. GRCh37 (hg19) VCF-style: chr9-131329266-A-G.
Other names: c.237+10A>G (NM_001363759.2, NM_003127.4, NM_001363765.2 and 1 more transcripts).
Identifiers: ClinVar variation 207256 (VCV000207256.13), dbSNP rs746224717, ClinGen allele CA318554.

ClinVar aggregate classification (germline): Benign/Likely benign. Review status: criteria provided, multiple submitters, no conflicts (2 of 4 stars). 3 submissions from 3 submitters: Benign (2); Likely benign (1). Last evaluated 2026-01-26.

Conditions:
Early-infantile DEE. Also called: Ohtahara syndrome; Early infantile epileptic encephalopathy; Early infantile epileptic encephalopathy with suppression bursts. Identifiers: Orphanet 1934, MedGen C0393706, MONDO:0800491.
Developmental and epileptic encephalopathy, 5 (DEE5). Identifiers: Orphanet 3451, MedGen C3150731, MONDO:0013277, OMIM 613477.

Allele frequency attached by ClinVar (database versions not stated): gnomAD exomes 0.00001; ExAC 0.00002; TOPMed 0.00008; gnomAD 0.00007 and 0.00008.
gnomAD v4.1: 18 of 1,613,790 alleles (0.0011%); highest among the groups gnomAD compares: African/African-American, 0.019%; no homozygotes.

Submissions (3):

Labcorp Genetics (formerly Invitae), Labcorp
Classification: Likely benign for Early-infantile DEE. Last evaluated: 2026-01-26. Review status: criteria provided, single submitter. Criteria: Invitae Variant Classification Sherloc (09022015). Collection method: clinical testing. Allele origin: germline.

Genome-Nilou Lab
Classification: Benign for Developmental and epileptic encephalopathy, 5. Last evaluated: 2021-07-15. Review status: criteria provided, single submitter. Criteria: ACMG Guidelines, 2015. Collection method: clinical testing. Allele origin: germline. Affected: no.

GeneDx
Classification: Benign. Last evaluated: 2014-07-18. Review status: criteria provided, single submitter. Criteria: GeneDx Variant Classification (06012015). Collection method: clinical testing. Allele origin: germline. Affected: yes.
Comment: This variant is considered likely benign or benign based on one or more of the following criteria: it is a conservative change, it occurs at a poorly conserved position in the protein, it is predicted to be benign by multiple in silico algorithms, and/or has population frequency not consistent with disease.